The following is an entry in ClinVar:

ClinVar aggregate classification (germline): Pathogenic (1 of 4 stars; one submission).

Conditions:
Inborn genetic diseases. Identifiers: MedGen C0950123, MeSH D030342.

Submission:

Ambry Genetics
Classification: Pathogenic for Inborn genetic diseases. Last evaluated: 2026-04-01. Review status: criteria provided, single submitter. Criteria: Ambry Variant Classification Scheme 2023. Collection method: clinical testing. Allele origin: germline.
Comment: The c.959_960delGC (p.C320Lfs*10) alteration, located in exon 10 (coding exon 8) of the GABRA1 gene, consists of a deletion of 2 nucleotides from position 959 to 960, causing a translational frameshift with a predicted alternate stop codon after 10 amino acids. This variant is expected to result in loss of function by premature protein truncation or nonsense-mediated mRNA decay. This variant was not reported in population-based cohorts in the Genome Aggregation Database (gnomAD). Based on the available evidence, this alteration is classified as pathogenic.

NM_001127644.2(GABRA1):c.959_960del (p.Cys320fs)

Gene: GABRA1 (gamma-aminobutyric acid type A receptor subunit alpha1; plus strand). Cytogenetic location: 5q34.
Variant type: Deletion.
Coding change: c.959_960del on transcript NM_001127644.2 (MANE Select); coding-DNA positions 959 to 960, 2 bases deleted (GC; older notation c.959_960delGC).
Protein change: p.Cys320fs; shifts the reading frame from cysteine 320.
Molecular consequence: frameshift variant.
Genome position (GRCh38, 1-based): chr5:161,895,768-161,895,769, GC deleted. VCF-style (leftmost placement, unchanged base first): chr5-161895767-TGC-T. GRCh37 (hg19) VCF-style: chr5-161322773-TGC-T.
Other names: c.959_960delGC (NM_000806.5); c.959_960del, p.Cys320fs (NM_000806.5, NM_001127643.2, NM_001127645.2 and 1 more transcripts); short protein forms C320fs.
Identifiers: ClinVar variation 4871617 (VCV004871617.1).
Genomic context (GRCh38, chr5:161,895,767, plus strand): 5'-GCCAGAAACTCCCTCCCTAAGGTGGCTTATGCAACAGCTATGGATTGGTTTATTGCCGTG[TGC>T]TATGCCTTTGTGTTCTCAGCTCTGATTGAGTTTGCCACAGTAAACTATTTCACTAAGAGA-3'